The following is an entry in ClinVar:

ClinVar aggregate classification (germline): Uncertain significance. Review status: criteria provided, multiple submitters, no conflicts (2 of 4 stars). 2 submissions from 2 submitters: Uncertain significance (2). Last evaluated 2024-08-14.

Conditions:
Hereditary cancer-predisposing syndrome. Also called: Neoplastic Syndromes, Hereditary; Tumor predisposition; Hereditary Cancer Syndrome; Hereditary neoplastic syndrome. Identifiers: Orphanet 140162, MedGen C0027672, MeSH D009386, MONDO:0015356.

Submissions (2):

Color Diagnostics, LLC DBA Color Health
Classification: Uncertain significance for Hereditary cancer-predisposing syndrome. Last evaluated: 2024-08-14. Review status: criteria provided, single submitter. Criteria: ACMG Guidelines, 2015. Collection method: clinical testing. Allele origin: germline.
Comment: This missense variant replaces leucine with valine at codon 1119 of the PALB2 protein. Computational prediction suggests that this variant may not impact protein structure and function. To our knowledge, functional studies have not been reported for this variant. This variant has been detected in a breast cancer case-control meta-analysis in 0/60466 cases and 1/53461 unaffected individuals (PMID: 33471991; Leiden Open Variation Database DB-ID PALB2_010752). This variant has not been identified in the general population by the Genome Aggregation Database (gnomAD). The available evidence is insufficient to determine the role of this variant in disease conclusively. Therefore, this variant is classified as a Variant of Uncertain Significance.

Blueprint Genetics
Classification: Uncertain significance. Last evaluated: 2022-12-21. Review status: criteria provided, single submitter. Criteria: ACMG Guidelines, 2015. Collection method: clinical testing. Allele origin: germline.

Literature cited by the submitters: PubMed 33471991 (cited by Color Diagnostics, LLC DBA Color Health).

NM_024675.4(PALB2):c.3355C>G (p.Leu1119Val)

Gene: PALB2 (partner and localizer of BRCA2; minus strand). Cytogenetic location: 16p12.2.
Variant type: single nucleotide variant.
Coding change: c.3355C>G on transcript NM_024675.4 (MANE Select); coding-DNA position 3355, C replaced by G.
Protein change: p.Leu1119Val; replaces leucine 1119 with valine.
Molecular consequence: missense variant.
Genome position (GRCh38, 1-based): chr16:23,603,665, G>C on the plus strand (C>G on the coding strand, the complement: PALB2 is on the minus strand). VCF-style: chr16-23603665-G-C. GRCh37 (hg19) VCF-style: chr16-23614986-G-C.
Other names: c.3295C>G, p.Leu1099Val (NM_001407296.1); c.3283C>G, p.Leu1095Val (NM_001407297.1); c.3193C>G, p.Leu1065Val (NM_001407298.1); c.3118C>G, p.Leu1040Val (NM_001407299.1); c.3076C>G, p.Leu1026Val (NM_001407300.1); c.3206C>G, p.Pro1069Arg (NM_001407301.1); c.3044C>G, p.Pro1015Arg (NM_001407302.1); c.2470C>G, p.Leu824Val (NM_001407304.1, NM_001407305.1, NM_001407306.1); and 6 more; short protein forms L1026V, L1040V, L1065V, L1095V, L1099V, L1119V, L297V, L523V.
Identifiers: ClinVar variation 3894023 (VCV003894023.2).
Genomic context (GRCh38, chr16:23,603,665, plus strand): 5'-TGGCAATTGTTCCAGAAGTCAAGATTGCTGCTGCACAGTGATCTTTCACGTCACCTTCCA[G>C]GAACCTGATAGCATACAAAGAAGATATAATTCAGATTACATATCCAAAAAACAATTAAAA-3'
Protein context (NP_078951.2, residues 1109-1129): CLPPGQAGRF[Leu1119Val]EGDVKDHCAA